The following is an entry in ClinVar:

NM_004171.4(SLC1A2):c.1438T>G (p.Ser480Ala)

Gene: SLC1A2 (solute carrier family 1 member 2; minus strand). Cytogenetic location: 11p13.
Variant type: single nucleotide variant.
Coding change: c.1438T>G on transcript NM_004171.4 (MANE Select); coding-DNA position 1438, T replaced by G.
Protein change: p.Ser480Ala; replaces serine 480 with alanine.
Molecular consequence: missense variant.
Genome position (GRCh38, 1-based): chr11:35,265,742, A>C on the plus strand (T>G on the coding strand, the complement: SLC1A2 is on the minus strand). VCF-style: chr11-35265742-A-C. GRCh37 (hg19) VCF-style: chr11-35287289-A-C.
Other names: c.1411T>G, p.Ser471Ala (NM_001195728.3, NM_001252652.2, NM_001439341.1); c.1426T>G, p.Ser476Ala (NM_001439342.1); c.1204T>G, p.Ser402Ala (NM_001439343.1); short protein forms S402A, S471A, S476A, S480A.
Identifiers: ClinVar variation 4882684 (VCV004882684.2).

ClinVar aggregate classification (germline): Uncertain significance (1 of 4 stars; one submission).

Submission:

Dasa
Classification: Uncertain significance. Last evaluated: 2026-01-06. Review status: criteria provided, single submitter. Criteria: DASA Assertion Criteria. Collection method: clinical testing. Allele origin: germline.
Comment: NM_004171.4(SLC1A2):c.1438T>G (p.Ser480Ala) is a missense variant that results in the substitution of serine with alanine. This variant is absent from population databases. The currently available literature and clinical evidence are not sufficient to establish a definitive association between this variant and the reported condition. Therefore, this variant is classified as a variant of uncertain significance.